The following is an entry in ClinVar:

ClinVar aggregate classification (germline): Uncertain significance. Review status: criteria provided, multiple submitters, no conflicts (2 of 4 stars). 2 submissions from 2 submitters: Uncertain significance (2). Last evaluated 2020-10-01.

Conditions:
Absence seizure. Also called: Absence epilepsy. Identifiers: Orphanet 1941, MedGen C0014553.
Myoclonic epilepsy, juvenile, susceptibility to, 1. Also called: Myoclonic Epilepsy, Juvenile, 1; EJM1. Identifiers: MedGen C1850778, MONDO:0020752, OMIM 254770.
Juvenile myoclonic epilepsy (EJM). Also called: PETIT MAL, IMPULSIVE; JANZ SYNDROME. Identifiers: Orphanet 307, MedGen C0270853, MONDO:0009696.

Allele frequency attached by ClinVar (database versions not stated): TOPMed 0.00002; gnomAD 0.00003.
gnomAD v4.1: 66 of 1,613,978 alleles (0.0041%); highest among the groups gnomAD compares: Admixed American, 0.005%; no homozygotes.

Submissions (2):

Labcorp Genetics (formerly Invitae), Labcorp
Classification: Uncertain significance for Myoclonic epilepsy, juvenile, susceptibility to, 1; Absence seizure. Last evaluated: 2020-10-01. Review status: criteria provided, single submitter. Criteria: Invitae Variant Classification Sherloc (09022015). Collection method: clinical testing. Allele origin: germline.
Comment: This sequence change replaces arginine with cysteine at codon 294 of the EFHC1 protein (p.Arg294Cys). The arginine residue is highly conserved and there is a large physicochemical difference between arginine and cysteine. This variant is present in population databases (rs201543041, ExAC 0.01%). This variant has been observed in individual(s) with seizures of post-traumatic etiology (PMID: 31875159). ClinVar contains an entry for this variant (Variation ID: 572744). Algorithms developed to predict the effect of missense changes on protein structure and function (SIFT, PolyPhen-2, Align-GVGD) all suggest that this variant is likely to be disruptive, but these predictions have not been confirmed by published functional studies and their clinical significance is uncertain. In summary, the available evidence is currently insufficient to determine the role of this variant in disease. Therefore, it has been classified as a Variant of Uncertain Significance.

Fulgent Genetics
Classification: Uncertain significance for Myoclonic epilepsy, juvenile, susceptibility to, 1; Epilepsy, juvenile absence, susceptibility to, 1. Last evaluated: 2018-10-31. Review status: criteria provided, single submitter. Criteria: ACMG Guidelines, 2015. Collection method: clinical testing. Allele origin: unknown.

Literature cited by the submitters: PubMed 31875159 (cited by Labcorp Genetics (formerly Invitae), Labcorp).

NM_018100.4(EFHC1):c.880C>T (p.Arg294Cys)

Gene: EFHC1 (EF-hand domain containing 1; plus strand). Cytogenetic location: 6p12.2.
Variant type: single nucleotide variant.
Coding change: c.880C>T on transcript NM_018100.4 (MANE Select); coding-DNA position 880, C replaced by T.
Protein change: p.Arg294Cys; replaces arginine 294 with cysteine.
Molecular consequence: missense variant. On other transcripts: non-coding transcript variant (1).
Genome position (GRCh38, 1-based): chr6:52,454,251, C>T. VCF-style: chr6-52454251-C-T. GRCh37 (hg19) VCF-style: chr6-52319049-C-T.
Other names: c.823C>T, p.Arg275Cys (NM_001172420.2); short protein forms R294C, R275C.
Identifiers: ClinVar variation 572744 (VCV000572744.13), dbSNP rs201543041, ClinGen allele CA3855934.